The following is an entry in ClinVar:

ClinVar aggregate classification (germline): Uncertain significance. Review status: criteria provided, multiple submitters, no conflicts (2 of 4 stars). 2 submissions from 2 submitters: Uncertain significance (2). Last evaluated 2025-05-23.

Conditions:
Inborn genetic diseases. Identifiers: MedGen C0950123, MeSH D030342.

Allele frequency attached by ClinVar (database versions not stated): ExAC 0.00001; gnomAD 0.00001; gnomAD exomes 0.00001 and 0.00002.

Submissions (2):

Ambry Genetics
Classification: Uncertain significance for Inborn genetic diseases. Last evaluated: 2025-05-23. Review status: criteria provided, single submitter. Criteria: Ambry Variant Classification Scheme 2023. Collection method: clinical testing. Allele origin: germline.
Comment: The p.D602E variant (also known as c.1806T>G), located in coding exon 1 of the SAMD9L gene, results from a T to G substitution at nucleotide position 1806. The aspartic acid at codon 602 is replaced by glutamic acid, an amino acid with highly similar properties. This amino acid position is conserved. In addition, this alteration is predicted to be tolerated by in silico analysis. Based on the available evidence, the clinical significance of this variant remains unclear.

Labcorp Genetics (formerly Invitae), Labcorp
Classification: Uncertain significance. Last evaluated: 2022-08-15. Review status: criteria provided, single submitter. Criteria: Invitae Variant Classification Sherloc (09022015). Collection method: clinical testing. Allele origin: germline.
Comment: This sequence change replaces aspartic acid with glutamic acid at codon 602 of the SAMD9L protein (p.Asp602Glu). The aspartic acid residue is moderately conserved and there is a small physicochemical difference between aspartic acid and glutamic acid. This variant is present in population databases (rs773910717, gnomAD 0.01%). This variant has not been reported in the literature in individuals affected with SAMD9L-related conditions. ClinVar contains an entry for this variant (Variation ID: 1510162). Algorithms developed to predict the effect of missense changes on protein structure and function are either unavailable or do not agree on the potential impact of this missense change (SIFT: "Not Available"; PolyPhen-2: "Benign"; Align-GVGD: "Not Available"). In summary, the available evidence is currently insufficient to determine the role of this variant in disease. Therefore, it has been classified as a Variant of Uncertain Significance.

NM_152703.5(SAMD9L):c.1806T>G (p.Asp602Glu)

Gene: SAMD9L (sterile alpha motif domain containing 9 like; minus strand). Cytogenetic location: 7q21.2.
Variant type: single nucleotide variant.
Coding change: c.1806T>G on transcript NM_152703.5 (MANE Select); coding-DNA position 1806, T replaced by G.
Protein change: p.Asp602Glu; replaces aspartic acid 602 with glutamic acid.
Molecular consequence: missense variant.
Genome position (GRCh38, 1-based): chr7:93,134,166, A>C on the plus strand (T>G on the coding strand, the complement: SAMD9L is on the minus strand). VCF-style: chr7-93134166-A-C. GRCh37 (hg19) VCF-style: chr7-92763479-A-C.
Other names: c.1806T>G (NM_152703.2); c.1806T>G, p.Asp602Glu (NM_001303496.3, NM_001303497.3, NM_001303498.3 and 5 more transcripts); short protein forms D602E.
Identifiers: ClinVar variation 1510162 (VCV001510162.8), dbSNP rs773910717, ClinGen allele CA4343679.
Genomic context (GRCh38, chr7:93,134,166, plus strand): 5'-AAGGATAGTGCTGTTTACCAGTTCTATATTTAAAGTGGAAATACTGTGGTTTGTTAGTTC[A>C]TCTTCCATCTTCATTCTTGTTTGTAGTAGATCTTTCCATCGTTGATAAATATGTGAGTTT-3'
Protein context (NP_689916.2, residues 592-612): DLLQTRMKME[Asp602Glu]ELTNHSISTL